The following is an entry in ClinVar:

ClinVar aggregate classification (germline): Uncertain significance (1 of 4 stars; one submission).

Conditions:
Congenital myasthenic syndrome 5. Identifiers: Orphanet 590, MedGen C1864233, MONDO:0011281, OMIM 603034.

Allele frequency attached by ClinVar (database versions not stated): TOPMed 0.00001.
gnomAD v4.1: 11 of 1,614,094 alleles (0.00068%); highest among the groups gnomAD compares: Admixed American, 0.01%; no homozygotes.

Submission:

Labcorp Genetics (formerly Invitae), Labcorp
Classification: Uncertain significance for Congenital myasthenic syndrome 5. Last evaluated: 2023-12-06. Review status: criteria provided, single submitter. Criteria: Invitae Variant Classification Sherloc (09022015). Collection method: clinical testing. Allele origin: germline.
Comment: This sequence change replaces aspartic acid, which is acidic and polar, with asparagine, which is neutral and polar, at codon 396 of the COLQ protein (p.Asp396Asn). This variant is present in population databases (rs748582765, gnomAD 0.01%). This variant has not been reported in the literature in individuals affected with COLQ-related conditions. ClinVar contains an entry for this variant (Variation ID: 1422541). Advanced modeling of protein sequence and biophysical properties (such as structural, functional, and spatial information, amino acid conservation, physicochemical variation, residue mobility, and thermodynamic stability) performed at Invitae indicates that this missense variant is not expected to disrupt COLQ protein function with a negative predictive value of 80%. In summary, the available evidence is currently insufficient to determine the role of this variant in disease. Therefore, it has been classified as a Variant of Uncertain Significance.

NM_005677.4(COLQ):c.1186G>A (p.Asp396Asn)

Gene: COLQ (collagen like tail subunit of asymmetric acetylcholinesterase; minus strand). Cytogenetic location: 3p25.1.
Variant type: single nucleotide variant.
Coding change: c.1186G>A on transcript NM_005677.4 (MANE Select); coding-DNA position 1186, G replaced by A.
Protein change: p.Asp396Asn; replaces aspartic acid 396 with asparagine.
Molecular consequence: missense variant.
Genome position (GRCh38, 1-based): chr3:15,455,908, C>T on the plus strand (G>A on the coding strand, the complement: COLQ is on the minus strand). VCF-style: chr3-15455908-C-T. GRCh37 (hg19) VCF-style: chr3-15497415-C-T.
Other names: c.1156G>A, p.Asp386Asn (NM_080538.2); c.1084G>A, p.Asp362Asn (NM_080539.4); short protein forms D396N, D362N, D386N.
Identifiers: ClinVar variation 1422541 (VCV001422541.6), dbSNP rs748582765, ClinGen allele CA2275855.